The following is an entry in ClinVar:

ClinVar aggregate classification (germline): Uncertain significance (1 of 4 stars; one submission).

Conditions:
Combined oxidative phosphorylation defect type 27. Also called: Combined oxidative phosphorylation deficiency 27. Identifiers: Orphanet 477774, MedGen C5567608, MONDO:0014728, OMIM 616672.

Allele frequency attached by ClinVar (database versions not stated): TOPMed below 0.00001.
gnomAD v4.1: 1 of 1,613,238 alleles (0.000062%); no homozygotes.

Submission:

Labcorp Genetics (formerly Invitae), Labcorp
Classification: Uncertain significance for Combined oxidative phosphorylation deficiency 27. Last evaluated: 2019-09-28. Review status: criteria provided, single submitter. Criteria: Invitae Variant Classification Sherloc (09022015). Collection method: clinical testing. Allele origin: germline.
Comment: This sequence change replaces leucine with glutamine at codon 370 of the CARS2 protein (p.Leu370Gln). The leucine residue is weakly conserved and there is a moderate physicochemical difference between leucine and glutamine. This variant is not present in population databases (ExAC no frequency). This variant has not been reported in the literature in individuals with CARS2-related conditions. Algorithms developed to predict the effect of missense changes on protein structure and function (SIFT, PolyPhen-2, Align-GVGD) all suggest that this variant is likely to be disruptive, but these predictions have not been confirmed by published functional studies and their clinical significance is uncertain. Algorithms developed to predict the effect of sequence changes on RNA splicing suggest that this variant may create or strengthen a splice site, but this prediction has not been confirmed by published transcriptional studies. In summary, the available evidence is currently insufficient to determine the role of this variant in disease. Therefore, it has been classified as a Variant of Uncertain Significance.

NM_024537.4(CARS2):c.1109T>A (p.Leu370Gln)

Gene: CARS2 (cysteinyl-tRNA synthetase 2, mitochondrial; minus strand). Cytogenetic location: 13q34.
Variant type: single nucleotide variant.
Coding change: c.1109T>A on transcript NM_024537.4 (MANE Select); coding-DNA position 1109, T replaced by A.
Protein change: p.Leu370Gln; replaces leucine 370 with glutamine.
Molecular consequence: missense variant. On other transcripts: non-coding transcript variant (2).
Genome position (GRCh38, 1-based): chr13:110,647,185, A>T on the plus strand (T>A on the coding strand, the complement: CARS2 is on the minus strand). VCF-style: chr13-110647185-A-T. GRCh37 (hg19) VCF-style: chr13-111299532-A-T.
Other names: c.323T>A, p.Leu108Gln (NM_001352252.2); short protein forms L108Q, L370Q.
Identifiers: ClinVar variation 953318 (VCV000953318.1), dbSNP rs1888250085, ClinGen allele CA388744199.